The following is an entry in ClinVar:

ClinVar aggregate classification (germline): Uncertain significance (1 of 4 stars; one submission).

Conditions:
Wilms tumor 1 (WT1). Also called: Wilms tumor, somatic. Identifiers: Orphanet 654, MedGen CN033288, MONDO:0008679, OMIM 194070.

Submission:

Labcorp Genetics (formerly Invitae), Labcorp
Classification: Uncertain significance for Wilms tumor 1. Last evaluated: 2023-04-19. Review status: criteria provided, single submitter. Criteria: Invitae Variant Classification Sherloc (09022015). Collection method: clinical testing. Allele origin: germline.
Comment: In summary, the available evidence is currently insufficient to determine the role of this variant in disease. Therefore, it has been classified as a Variant of Uncertain Significance. Advanced modeling of protein sequence and biophysical properties (such as structural, functional, and spatial information, amino acid conservation, physicochemical variation, residue mobility, and thermodynamic stability) performed at Invitae indicates that this missense variant is not expected to disrupt GPC3 protein function. This variant has not been reported in the literature in individuals affected with GPC3-related conditions. This variant is not present in population databases (gnomAD no frequency). This sequence change replaces glutamine, which is neutral and polar, with lysine, which is basic and polar, at codon 218 of the GPC3 protein (p.Gln218Lys).

NM_004484.4(GPC3):c.652C>A (p.Gln218Lys)

Gene: GPC3 (glypican 3; minus strand). Cytogenetic location: Xq26.2.
Variant type: single nucleotide variant.
Coding change: c.652C>A on transcript NM_004484.4 (MANE Select); coding-DNA position 652, C replaced by A.
Protein change: p.Gln218Lys; replaces glutamine 218 with lysine.
Molecular consequence: missense variant.
Genome position (GRCh38, 1-based): chrX:133,753,862, G>T on the plus strand (C>A on the coding strand, the complement: GPC3 is on the minus strand). VCF-style: chrX-133753862-G-T. GRCh37 (hg19) VCF-style: chrX-132887889-G-T.
Other names: c.652C>A, p.Gln218Lys (NM_001164617.2); c.604C>A, p.Gln202Lys (NM_001164618.2); c.490C>A, p.Gln164Lys (NM_001164619.2); short protein forms Q164K, Q202K, Q218K.
Identifiers: ClinVar variation 2989977 (VCV002989977.3), dbSNP rs2521356128, ClinGen allele CA414706154.